The following is an entry in ClinVar:

ClinVar aggregate classification (germline): Uncertain significance (1 of 4 stars; one submission).

Conditions:
Spastic paraplegia. Identifiers: MedGen C0037772, HP:0001258.

gnomAD v4.1: 2 of 1,613,996 alleles (0.00012%); highest among the groups gnomAD compares: African/African-American, 0.0013%; no homozygotes.

Submission:

Labcorp Genetics (formerly Invitae), Labcorp
Classification: Uncertain significance for Spastic paraplegia. Last evaluated: 2022-06-19. Review status: criteria provided, single submitter. Criteria: Invitae Variant Classification Sherloc (09022015). Collection method: clinical testing. Allele origin: germline.
Comment: This variant has not been reported in the literature in individuals affected with CYP7B1-related conditions. This sequence change replaces aspartic acid, which is acidic and polar, with valine, which is neutral and non-polar, at codon 384 of the CYP7B1 protein (p.Asp384Val). This variant is present in population databases (no rsID available, gnomAD 0.004%). Algorithms developed to predict the effect of missense changes on protein structure and function are either unavailable or do not agree on the potential impact of this missense change (SIFT: "Deleterious"; PolyPhen-2: "Possibly Damaging"; Align-GVGD: "Class C0"). In summary, the available evidence is currently insufficient to determine the role of this variant in disease. Therefore, it has been classified as a Variant of Uncertain Significance.

NM_004820.5(CYP7B1):c.1151A>T (p.Asp384Val)

Gene: CYP7B1 (cytochrome P450 family 7 subfamily B member 1; minus strand). Cytogenetic location: 8q12.3.
Variant type: single nucleotide variant.
Coding change: c.1151A>T on transcript NM_004820.5 (MANE Select); coding-DNA position 1151, A replaced by T.
Protein change: p.Asp384Val; replaces aspartic acid 384 with valine.
Molecular consequence: missense variant.
Genome position (GRCh38, 1-based): chr8:64,604,764, T>A on the plus strand (A>T on the coding strand, the complement: CYP7B1 is on the minus strand). VCF-style: chr8-64604764-T-A. GRCh37 (hg19) VCF-style: chr8-65517321-T-A.
Other names: c.1151A>T, p.Asp384Val (NM_001324112.2); short protein forms D384V.
Identifiers: ClinVar variation 2107875 (VCV002107875.4), dbSNP rs1350527806, ClinGen allele CA371334160.